The following is an entry in ClinVar:

ClinVar aggregate classification (germline): Uncertain significance (1 of 4 stars; one submission).

Submission:

Labcorp Genetics (formerly Invitae), Labcorp
Classification: Uncertain significance. Last evaluated: 2022-08-09. Review status: criteria provided, single submitter. Criteria: Invitae Variant Classification Sherloc (09022015). Collection method: clinical testing. Allele origin: germline.
Comment: This sequence change replaces asparagine, which is neutral and polar, with serine, which is neutral and polar, at codon 107 of the DNAJB13 protein (p.Asn107Ser). This variant is not present in population databases (gnomAD no frequency). This variant has not been reported in the literature in individuals affected with DNAJB13-related conditions. ClinVar contains an entry for this variant (Variation ID: 1429403). Algorithms developed to predict the effect of missense changes on protein structure and function (SIFT, PolyPhen-2, Align-GVGD) all suggest that this variant is likely to be tolerated. In summary, the available evidence is currently insufficient to determine the role of this variant in disease. Therefore, it has been classified as a Variant of Uncertain Significance.

NM_153614.4(DNAJB13):c.320A>G (p.Asn107Ser)

Gene: DNAJB13 (DnaJ heat shock protein family (Hsp40) member B13; plus strand). Cytogenetic location: 11q13.4.
Variant type: single nucleotide variant.
Coding change: c.320A>G on transcript NM_153614.4 (MANE Select); coding-DNA position 320, A replaced by G.
Protein change: p.Asn107Ser; replaces asparagine 107 with serine.
Molecular consequence: missense variant.
Genome position (GRCh38, 1-based): chr11:73,959,641, A>G. VCF-style: chr11-73959641-A-G. GRCh37 (hg19) VCF-style: chr11-73670686-A-G.
Other names: c.146A>G, p.Asn49Ser (NM_001377263.1); short protein forms N49S, N107S.
Identifiers: ClinVar variation 1429403 (VCV001429403.5), dbSNP rs1456991396, ClinGen allele CA381806307.